The following is an entry in ClinVar:

NM_000489.6(ATRX):c.6202C>T (p.Pro2068Ser)

Gene: ATRX (ATRX chromatin remodeler; minus strand). Cytogenetic location: Xq21.1.
Variant type: single nucleotide variant.
Coding change: c.6202C>T on transcript NM_000489.6 (MANE Select); coding-DNA position 6202, C replaced by T.
Protein change: p.Pro2068Ser; replaces proline 2068 with serine.
Molecular consequence: missense variant.
Genome position (GRCh38, 1-based): chrX:77,589,849, G>A on the plus strand (C>T on the coding strand, the complement: ATRX is on the minus strand). VCF-style: chrX-77589849-G-A. GRCh37 (hg19) VCF-style: chrX-76845319-G-A.
Other names: c.6088C>T, p.Pro2030Ser (NM_138270.5); short protein forms P2068S, P2030S.
Identifiers: ClinVar variation 432498 (VCV000432498.3), dbSNP rs1557079194, ClinGen allele CA413702300.
Genomic context (GRCh38, chrX:77,589,849, plus strand): 5'-AATCAGTATTTTTAAAATTACGACACAGAAATATTTGTAGCTCACCTTTATAAATAAGGG[G>A]TTTATCTTTATCTTCTGTCTTCTCCCTACTAGCTAATTCAAGAAAATCTTCAATCAAGTC-3'
Protein context (NP_000480.3, residues 2058-2078): SREKTEDKDK[Pro2068Ser]LIYKGEGKWL

ClinVar aggregate classification (germline): Uncertain significance (1 of 4 stars; one submission).

Allele frequency attached by ClinVar (database versions not stated): gnomAD exomes below 0.00001.
gnomAD v4.1: 3 of 1,200,854 alleles (0.00025%); highest among the groups gnomAD compares: South Asian, 0.0018%; no homozygotes.

Submission:

GeneDx
Classification: Uncertain significance. Last evaluated: 2020-01-18. Review status: criteria provided, single submitter. Criteria: GeneDx Variant Classification Process June 2021. Collection method: clinical testing. Allele origin: germline. Affected: yes.
Comment: Not observed in large population cohorts (Lek et al., 2016); In silico analysis, which includes protein predictors and evolutionary conservation, supports a deleterious effect; Has not been previously published as pathogenic or benign to our knowledge